The following is an entry in ClinVar:

NM_024642.5(GALNT12):c.911T>C (p.Val304Ala)

Gene: GALNT12 (polypeptide N-acetylgalactosaminyltransferase 12; plus strand). Cytogenetic location: 9q22.33.
Variant type: single nucleotide variant.
Coding change: c.911T>C on transcript NM_024642.5 (MANE Select); coding-DNA position 911, T replaced by C.
Protein change: p.Val304Ala; replaces valine 304 with alanine.
Molecular consequence: missense variant.
Genome position (GRCh38, 1-based): chr9:98,831,951, T>C. VCF-style: chr9-98831951-T-C. GRCh37 (hg19) VCF-style: chr9-101594233-T-C.
Other names: short protein forms V304A.
Identifiers: ClinVar variation 1765881 (VCV001765881.4), dbSNP rs944091378, ClinGen allele CA196824155.

ClinVar aggregate classification (germline): Uncertain significance. Review status: criteria provided, multiple submitters, no conflicts (2 of 4 stars). 2 submissions from 2 submitters: Uncertain significance (2). Last evaluated 2025-08-31.

Allele frequency attached by ClinVar (database versions not stated): gnomAD exomes 0.00001; TOPMed 0.00002; gnomAD 0.00003.
gnomAD v4.1: 18 of 1,613,562 alleles (0.0011%); highest among the groups gnomAD compares: African/African-American, 0.004%; no homozygotes.

Submissions (2):

Labcorp Genetics (formerly Invitae), Labcorp
Classification: Uncertain significance. Last evaluated: 2025-08-31. Review status: criteria provided, single submitter. Criteria: Invitae Variant Classification Sherloc (09022015). Collection method: clinical testing. Allele origin: germline.
Comment: This sequence change replaces valine, which is neutral and non-polar, with alanine, which is neutral and non-polar, at codon 304 of the GALNT12 protein (p.Val304Ala). This variant is not present in population databases (gnomAD no frequency). This variant has not been reported in the literature in individuals affected with GALNT12-related conditions. ClinVar contains an entry for this variant (Variation ID: 1765881). Invitae Evidence Modeling of protein sequence and biophysical properties (such as structural, functional, and spatial information, amino acid conservation, physicochemical variation, residue mobility, and thermodynamic stability) indicates that this missense variant is not expected to disrupt GALNT12 protein function with a negative predictive value of 80%. In summary, the available evidence is currently insufficient to determine the role of this variant in disease. Therefore, it has been classified as a Variant of Uncertain Significance.

Ambry Genetics
Classification: Uncertain significance. Last evaluated: 2024-08-16. Review status: criteria provided, single submitter. Criteria: Ambry Variant Classification Scheme 2023. Collection method: clinical testing. Allele origin: germline.
Comment: The p.V304A variant (also known as c.911T>C), located in coding exon 4 of the GALNT12 gene, results from a T to C substitution at nucleotide position 911. The valine at codon 304 is replaced by alanine, an amino acid with similar properties. This amino acid position is highly conserved in available vertebrate species. In addition, the in silico prediction for this alteration is inconclusive. Since supporting evidence is limited at this time, the clinical significance of this alteration remains unclear.